The following is an entry in ClinVar:

NM_006885.4(ZFHX3):c.1602C>T (p.Pro534=)

Gene: ZFHX3 (zinc finger homeobox 3; minus strand). Cytogenetic location: 16q22.3.
Variant type: single nucleotide variant.
Coding change: c.1602C>T on transcript NM_006885.4 (MANE Select); coding-DNA position 1602, C replaced by T.
Protein change: p.Pro534=; no amino-acid change (proline 534 retained).
Molecular consequence: synonymous variant. On other transcripts: intron variant (1).
Genome position (GRCh38, 1-based): chr16:72,958,544, G>A on the plus strand (C>T on the coding strand, the complement: ZFHX3 is on the minus strand). VCF-style: chr16-72958544-G-A. GRCh37 (hg19) VCF-style: chr16-72992443-G-A.
Other names: c.1602C>T, p.Pro534= (NM_001386735.1); c.-23-7579C>T (NM_001164766.2).
Identifiers: ClinVar variation 3037898 (VCV003037898.2), dbSNP rs62640008, ClinGen allele CA8164679.
Genomic context (GRCh38, chr16:72,958,544, plus strand): 5'-AGAATTAGAACTAGTAGAAGCTGTGCCCCTCGACAGGGTCTGGAGCACGTTAGGCATTAA[G>A]GGGGAGTTAGAAATGCTTTGGTTTGAGAGAGCAAGGTCCTTTTTGCTGCTACTACCTGCT-3'
Protein context (NP_008816.3, residues 524-544): ALSNQSISNS[Pro534=]LMPNVLQTLS

ClinVar aggregate classification (germline): Benign (0 of 4 stars; one submission).

Conditions:
ZFHX3-related disorder. Also called: ZFHX3-related condition.

Allele frequency attached by ClinVar (database versions not stated): 1000 Genomes Project 0.04513; 1000 Genomes Project 30x 0.04513; ESP Exome Variant Server 0.04617.
gnomAD v4.1: 52,877 of 1,614,048 alleles (3.3%); highest among the groups gnomAD compares: African/African-American, 8%; 1,138 homozygotes.

Submission:

PreventionGenetics, part of Exact Sciences
Classification: Benign for ZFHX3-related condition. Last evaluated: 2019-05-21. Review status: no assertion criteria provided. Collection method: clinical testing. Allele origin: germline.
Comment: This variant is classified as benign based on ACMG/AMP sequence variant interpretation guidelines (Richards et al. 2015 PMID: 25741868, with internal and published modifications).